The following is an entry in ClinVar:

ClinVar aggregate classification (germline): Pathogenic (1 of 4 stars; one submission).

Submission:

GeneDx
Classification: Pathogenic. Last evaluated: 2017-11-06. Review status: criteria provided, single submitter. Criteria: GeneDx Variant Classification (06012015). Collection method: clinical testing. Allele origin: germline. Affected: yes.
Comment: The c.1301delT variant in the ANKS6 gene has not been reported previously as a pathogenic variant nor as a benign variant, to our knowledge. The c.1301delT variant causes a frameshift starting with codon Leucine 434, changes this amino acid to an Arginine residue, and creates a premature Stop codon at position 22 of the new reading frame, denoted p.Leu434ArgfsX22. This variant is predicted to cause loss of normal protein function either through protein truncation or nonsense-mediated mRNA decay. The c.1301delT variant is not observed in large population cohorts (Lek et al., 2016). We interpret c.1301delT as a pathogenic variant.

NM_173551.5(ANKS6):c.1301del (p.Leu434fs)

Gene: ANKS6 (ankyrin repeat and sterile alpha motif domain containing 6; minus strand). Cytogenetic location: 9q22.33.
Variant type: Deletion.
Coding change: c.1301del on transcript NM_173551.5 (MANE Select); coding-DNA position 1301, one base deleted (T; older notation c.1301delT).
Protein change: p.Leu434fs; shifts the reading frame from leucine 434.
Molecular consequence: frameshift variant.
Genome position (GRCh38, 1-based): chr9:98,780,256, A deleted on the plus strand (T on the coding strand, the reverse complement: ANKS6 is on the minus strand). VCF-style (leftmost placement, unchanged base first): chr9-98780255-CA-C. GRCh37 (hg19) VCF-style: chr9-101542537-CA-C.
Other names: short protein forms L434fs.
Identifiers: ClinVar variation 503782 (VCV000503782.2), dbSNP rs1554746855, ClinGen allele CA658797257.